The following is an entry in ClinVar:

ClinVar aggregate classification (germline): Uncertain significance (1 of 4 stars; one submission).

Conditions:
Hereditary breast ovarian cancer syndrome. Also called: Hereditary breast and ovarian cancer syndrome (HBOC); Breast and ovarian cancer; BRCA1- and BRCA2-Associated Hereditary Breast and Ovarian Cancer; Hereditary breast and ovarian cancer syndrome; Hereditary breast and ovarian cancer; Hereditary breast and/or ovarian cancer syndrome. Identifiers: Orphanet 145, MedGen C0677776, MeSH D061325, MONDO:0003582. Disease mechanism: loss of function.

Submission:

Labcorp Genetics (formerly Invitae), Labcorp
Classification: Uncertain significance for Hereditary breast ovarian cancer syndrome. Last evaluated: 2023-05-05. Review status: criteria provided, single submitter. Criteria: Invitae Variant Classification Sherloc (09022015). Collection method: clinical testing. Allele origin: germline.
Comment: Advanced modeling of protein sequence and biophysical properties (such as structural, functional, and spatial information, amino acid conservation, physicochemical variation, residue mobility, and thermodynamic stability) performed at Invitae indicates that this missense variant is not expected to disrupt BRCA2 protein function. In summary, the available evidence is currently insufficient to determine the role of this variant in disease. Therefore, it has been classified as a Variant of Uncertain Significance. This sequence change replaces alanine, which is neutral and non-polar, with proline, which is neutral and non-polar, at codon 2249 of the BRCA2 protein (p.Ala2249Pro). This variant is not present in population databases (gnomAD no frequency). This variant has not been reported in the literature in individuals affected with BRCA2-related conditions.

NM_000059.4(BRCA2):c.6745G>C (p.Ala2249Pro)

Gene: BRCA2 (BRCA2 DNA repair associated; plus strand). Cytogenetic location: 13q13.1.
Variant type: single nucleotide variant.
Coding change: c.6745G>C on transcript NM_000059.4 (MANE Select); coding-DNA position 6745, G replaced by C.
Protein change: p.Ala2249Pro; replaces alanine 2249 with proline.
Molecular consequence: missense variant. On other transcripts: non-coding transcript variant (1), intron variant (2).
Genome position (GRCh38, 1-based): chr13:32,341,100, G>C. VCF-style: chr13-32341100-G-C. GRCh37 (hg19) VCF-style: chr13-32915237-G-C.
Other names: c.6745G>C, p.Ala2249Pro (NM_001406719.1, NM_001406720.1); c.1910-3458G>C (NM_001406721.1); c.425-3458G>C (NM_001406722.1); short protein forms A2249P.
Identifiers: ClinVar variation 2845182 (VCV002845182.3), dbSNP rs587781435, ClinGen allele CA387791121.